The following is an entry in ClinVar:

NM_001130438.3(SPTAN1):c.191T>A (p.Leu64His)

Gene: SPTAN1 (spectrin alpha, non-erythrocytic 1; plus strand). Cytogenetic location: 9q34.11.
Variant type: single nucleotide variant.
Coding change: c.191T>A on transcript NM_001130438.3 (MANE Select); coding-DNA position 191, T replaced by A.
Protein change: p.Leu64His; replaces leucine 64 with histidine.
Molecular consequence: missense variant.
Genome position (GRCh38, 1-based): chr9:128,566,931, T>A. VCF-style: chr9-128566931-T-A. GRCh37 (hg19) VCF-style: chr9-131329210-T-A.
Other names: c.191T>A, p.Leu64His (NM_001195532.2, NM_001363759.2, NM_001363765.2 and 10 more transcripts); c.227T>A, p.Leu76His (NM_001375312.2, NM_001375318.1, NM_001438440.1); short protein forms L64H, L76H.
Identifiers: ClinVar variation 4801832 (VCV004801832.1).

ClinVar aggregate classification (germline): Uncertain significance (1 of 4 stars; one submission).

Conditions:
Early-infantile DEE. Also called: Early infantile epileptic encephalopathy; Early infantile epileptic encephalopathy with suppression bursts; Ohtahara syndrome. Identifiers: Orphanet 1934, MedGen C0393706, MONDO:0800491.

Submission:

Labcorp Genetics (formerly Invitae), Labcorp
Classification: Uncertain significance for Early-infantile DEE. Last evaluated: 2026-01-02. Review status: criteria provided, single submitter. Criteria: Invitae Variant Classification Sherloc (09022015). Collection method: clinical testing. Allele origin: germline.
Comment: This sequence change replaces leucine, which is neutral and non-polar, with histidine, which is basic and polar, at codon 64 of the SPTAN1 protein (p.Leu64His). This variant is not present in population databases (gnomAD no frequency). This variant has not been reported in the literature in individuals affected with SPTAN1-related conditions. Invitae Evidence Modeling of protein sequence and biophysical properties (such as structural, functional, and spatial information, amino acid conservation, physicochemical variation, residue mobility, and thermodynamic stability) has been performed for this missense variant. However, the output from this modeling did not meet the statistical confidence thresholds required to predict the impact of this variant on SPTAN1 protein function. In summary, the available evidence is currently insufficient to determine the role of this variant in disease. Therefore, it has been classified as a Variant of Uncertain Significance.